The following is an entry in ClinVar:

ClinVar aggregate classification (germline): Uncertain significance (1 of 4 stars; one submission).

Submission:

Labcorp Genetics (formerly Invitae), Labcorp
Classification: Uncertain significance. Last evaluated: 2020-12-16. Review status: criteria provided, single submitter. Criteria: Invitae Variant Classification Sherloc (09022015). Collection method: clinical testing. Allele origin: germline.
Comment: This variant is not present in population databases (ExAC no frequency). This sequence change replaces serine with glycine at codon 99 of the TBC1D7 protein (p.Ser99Gly). The serine residue is moderately conserved and there is a small physicochemical difference between serine and glycine. This variant has not been reported in the literature in individuals with TBC1D7-related conditions. In summary, the available evidence is currently insufficient to determine the role of this variant in disease. Therefore, it has been classified as a Variant of Uncertain Significance. Algorithms developed to predict the effect of missense changes on protein structure and function (SIFT, PolyPhen-2, Align-GVGD) all suggest that this variant is likely to be tolerated, but these predictions have not been confirmed by published functional studies and their clinical significance is uncertain.

NM_016495.6(TBC1D7):c.295A>G (p.Ser99Gly)

Genes: TBC1D7 (TBC1 domain family member 7; minus strand), TBC1D7-LOC100130357 (TBC1D7-LOC100130357 readthrough; minus strand). Cytogenetic location: 6p24.1.
Variant type: single nucleotide variant.
Coding change: c.295A>G on transcript NM_016495.6 (MANE Select); coding-DNA position 295, A replaced by G.
Protein change: p.Ser99Gly; replaces serine 99 with glycine.
Molecular consequence: missense variant. On other transcripts: non-coding transcript variant (1).
Genome position (GRCh38, 1-based): chr6:13,320,994, T>C on the plus strand (A>G on the coding strand, the complement: TBC1D7 is on the minus strand). VCF-style: chr6-13320994-T-C. GRCh37 (hg19) VCF-style: chr6-13321226-T-C.
Other names: c.295A>G, p.Ser99Gly (NM_001318809.2, NM_001143964.4, NM_001143965.4 and 2 more transcripts); c.214A>G, p.Ser72Gly (NM_001143966.4, NM_001318806.2); short protein forms S99G, S72G.
Identifiers: ClinVar variation 1480479 (VCV001480479.8), dbSNP rs749708004, ClinGen allele CA134828411.